The following is an entry in ClinVar:

NM_020166.5(MCCC1):c.649A>T (p.Ile217Phe)

Gene: MCCC1 (methylcrotonyl-CoA carboxylase subunit 1; minus strand). Cytogenetic location: 3q27.1.
Variant type: single nucleotide variant.
Coding change: c.649A>T on transcript NM_020166.5 (MANE Select); coding-DNA position 649, A replaced by T.
Protein change: p.Ile217Phe; replaces isoleucine 217 with phenylalanine.
Molecular consequence: missense variant. On other transcripts: non-coding transcript variant (2).
Genome position (GRCh38, 1-based): chr3:183,071,111, T>A on the plus strand (A>T on the coding strand, the complement: MCCC1 is on the minus strand). VCF-style: chr3-183071111-T-A. GRCh37 (hg19) VCF-style: chr3-182788899-T-A.
Other names: c.298A>T, p.Ile100Phe (NM_001293273.2); c.322A>T, p.Ile108Phe (NM_001363880.1); short protein forms I108F, I217F, I100F.
Identifiers: ClinVar variation 2089872 (VCV002089872.4), dbSNP rs1040074006, ClinGen allele CA355330087.

ClinVar aggregate classification (germline): Uncertain significance (1 of 4 stars; one submission).

Conditions:
3-methylcrotonyl-CoA carboxylase 1 deficiency (MCC1D). Also called: MCCD TYPE 1; METHYLCROTONYLGLYCINURIA TYPE I; MCC 1 deficiency; 3 Alpha methylcrotonylglycinuria 1. Identifiers: Orphanet 6, MedGen CN028786, MONDO:0008861, OMIM 210200.

Allele frequency attached by ClinVar (database versions not stated): gnomAD 0.00001.
gnomAD v4.1: 1 of 1,614,104 alleles (0.000062%); highest among the groups gnomAD compares: Admixed American, 0.0017%; no homozygotes.

Submission:

Labcorp Genetics (formerly Invitae), Labcorp
Classification: Uncertain significance for 3-methylcrotonyl-CoA carboxylase 1 deficiency. Last evaluated: 2022-07-12. Review status: criteria provided, single submitter. Criteria: Invitae Variant Classification Sherloc (09022015). Collection method: clinical testing. Allele origin: germline.
Comment: This variant has not been reported in the literature in individuals affected with MCCC1-related conditions. Algorithms developed to predict the effect of missense changes on protein structure and function are either unavailable or do not agree on the potential impact of this missense change (SIFT: "Deleterious"; PolyPhen-2: "Probably Damaging"; Align-GVGD: "Class C0"). Algorithms developed to predict the effect of sequence changes on RNA splicing suggest that this variant may create or strengthen a splice site. In summary, the available evidence is currently insufficient to determine the role of this variant in disease. Therefore, it has been classified as a Variant of Uncertain Significance. This variant is not present in population databases (gnomAD no frequency). This sequence change replaces isoleucine, which is neutral and non-polar, with phenylalanine, which is neutral and non-polar, at codon 217 of the MCCC1 protein (p.Ile217Phe).